The following is an entry in ClinVar:

ClinVar aggregate classification (germline): Uncertain significance (1 of 4 stars; one submission).

Conditions:
Familial thoracic aortic aneurysm and aortic dissection (TAAD). Also called: Thoracic aortic aneurysms and dissections. Identifiers: Orphanet 91387, MedGen C4707243, MONDO:0019625.
Hereditary cancer-predisposing syndrome. Also called: Neoplastic Syndromes, Hereditary; Tumor predisposition; Hereditary neoplastic syndrome; Hereditary Cancer Syndrome. Identifiers: Orphanet 140162, MedGen C0027672, MeSH D009386, MONDO:0015356.

Submission:

Ambry Genetics
Classification: Uncertain significance for Hereditary cancer-predisposing syndrome; Familial thoracic aortic aneurysm and aortic dissection. Last evaluated: 2025-05-15. Review status: criteria provided, single submitter. Criteria: Ambry Variant Classification Scheme 2023. Collection method: clinical testing. Allele origin: germline.
Comment: The p.H105L variant (also known as c.314A>T), located in coding exon 2 of the SMAD4 gene, results from an A to T substitution at nucleotide position 314. The histidine at codon 105 is replaced by leucine, an amino acid with similar properties. This amino acid position is conserved. In addition, this alteration is predicted to be deleterious by in silico analysis. Based on the available evidence, the clinical significance of this variant remains unclear.

NM_005359.6(SMAD4):c.314A>T (p.His105Leu)

Gene: SMAD4 (SMAD family member 4; plus strand). Cytogenetic location: 18q21.2.
Variant type: single nucleotide variant.
Coding change: c.314A>T on transcript NM_005359.6 (MANE Select); coding-DNA position 314, A replaced by T.
Protein change: p.His105Leu; replaces histidine 105 with leucine.
Molecular consequence: missense variant. On other transcripts: non-coding transcript variant (2).
Genome position (GRCh38, 1-based): chr18:51,048,750, A>T. VCF-style: chr18-51048750-A-T. GRCh37 (hg19) VCF-style: chr18-48575120-A-T.
Other names: c.314A>T, p.His105Leu (NM_001407041.1, NM_001407042.1, NM_001407043.1); short protein forms H105L.
Identifiers: ClinVar variation 4044959 (VCV004044959.1).